The following is an entry in ClinVar:

ClinVar aggregate classification (germline): Uncertain significance (1 of 4 stars; one submission).

gnomAD v4.1: 1 of 1,614,076 alleles (0.000062%); highest among the groups gnomAD compares: Non-Finnish European, 0.000085%; no homozygotes.

Submission:

Labcorp Genetics (formerly Invitae), Labcorp
Classification: Uncertain significance. Last evaluated: 2024-07-11. Review status: criteria provided, single submitter. Criteria: Invitae Variant Classification Sherloc (09022015). Collection method: clinical testing. Allele origin: germline.
Comment: This sequence change replaces valine, which is neutral and non-polar, with alanine, which is neutral and non-polar, at codon 1424 of the SON protein (p.Val1424Ala). This variant is not present in population databases (gnomAD no frequency). This variant has not been reported in the literature in individuals affected with SON-related conditions. An algorithm developed to predict the effect of missense changes on protein structure and function outputs the following: PolyPhen-2: "Possibly Damaging". The alanine amino acid residue is found in multiple mammalian species, which suggests that this missense change does not adversely affect protein function. In summary, the available evidence is currently insufficient to determine the role of this variant in disease. Therefore, it has been classified as a Variant of Uncertain Significance.

NM_138927.4(SON):c.4271T>C (p.Val1424Ala)

Gene: SON (SON DNA and RNA binding protein; plus strand). Cytogenetic location: 21q22.11.
Variant type: single nucleotide variant.
Coding change: c.4271T>C on transcript NM_138927.4 (MANE Select); coding-DNA position 4271, T replaced by C.
Protein change: p.Val1424Ala; replaces valine 1424 with alanine.
Molecular consequence: missense variant. On other transcripts: non-coding transcript variant (1), intron variant (1).
Genome position (GRCh38, 1-based): chr21:33,553,502, T>C. VCF-style: chr21-33553502-T-C. GRCh37 (hg19) VCF-style: chr21-34925808-T-C.
Other names: c.4271T>C, p.Val1424Ala (NM_001291411.2, NM_032195.3); c.245-3654T>C (NM_001291412.3); short protein forms V1424A.
Identifiers: ClinVar variation 3699144 (VCV003699144.2).